The following is an entry in ClinVar:

NM_003482.4(KMT2D):c.4690del (p.Val1564fs)

Gene: KMT2D (lysine methyltransferase 2D; minus strand). Cytogenetic location: 12q13.12.
Variant type: Deletion.
Coding change: c.4690del on transcript NM_003482.4 (MANE Select); coding-DNA position 4690, one base deleted (G; older notation c.4690delG).
Protein change: p.Val1564fs; shifts the reading frame from valine 1564.
Molecular consequence: frameshift variant.
Genome position (GRCh38, 1-based): chr12:49,046,068, C deleted on the plus strand (G on the coding strand, the reverse complement: KMT2D is on the minus strand). VCF-style (leftmost placement, unchanged base first): chr12-49046067-AC-A. GRCh37 (hg19) VCF-style: chr12-49439850-AC-A.
Other names: short protein forms V1564fs.
Identifiers: ClinVar variation 1458481 (VCV001458481.6), dbSNP rs2120599595, ClinGen allele CA2573148674.

ClinVar aggregate classification (germline): Pathogenic (1 of 4 stars; one submission).

Conditions:
Kabuki syndrome. Also called: Kabuki make-up syndrome; NIIKAWA-KUROKI SYNDROME. Identifiers: Orphanet 2322, MedGen C0796004, MONDO:0016512.

Submission:

Labcorp Genetics (formerly Invitae), Labcorp
Classification: Pathogenic for Kabuki syndrome. Last evaluated: 2021-10-27. Review status: criteria provided, single submitter. Criteria: Invitae Variant Classification Sherloc (09022015). Collection method: clinical testing. Allele origin: germline.
Comment: For these reasons, this variant has been classified as Pathogenic. This variant has not been reported in the literature in individuals affected with KMT2D-related conditions. This variant is not present in population databases (gnomAD no frequency). This sequence change creates a premature translational stop signal (p.Val1564Trpfs*12) in the KMT2D gene. It is expected to result in an absent or disrupted protein product. Loss-of-function variants in KMT2D are known to be pathogenic (PMID: 22126750).

Literature cited by the submitters: PubMed 22126750.